The following is an entry in ClinVar:

ClinVar aggregate classification (germline): Pathogenic. Review status: reviewed by expert panel (3 of 4 stars). 2 submissions from 2 submitters: Pathogenic (1). 1 of the submissions does not count toward it. Last evaluated 2016-10-18.

Conditions:
Breast-ovarian cancer, familial, susceptibility to, 1 (BROVCA1). Also called: BRCA1 Hereditary Breast and Ovarian Cancer; OVARIAN CANCER, SUSCEPTIBILITY TO. Identifiers: Orphanet 145, MedGen C2676676, MONDO:0011450, OMIM 604370. Disease mechanism: loss of function.

Submissions (2):

Evidence-based Network for the Interpretation of Germline Mutant Alleles (ENIGMA)
Classification: Pathogenic for Breast-ovarian cancer, familial, susceptibility to, 1. Last evaluated: 2016-10-18. Review status: reviewed by expert panel. Criteria: ENIGMA BRCA1/2 Classification Criteria (2015). Collection method: curation. Allele origin: germline.
Comment: Variant allele predicted to encode a truncated non-functional protein.

Consortium of Investigators of Modifiers of BRCA1/2 (CIMBA), c/o University of Cambridge
Classification: Pathogenic for Breast-ovarian cancer, familial, susceptibility to, 1. Last evaluated: 2015-10-02. Review status: criteria provided, single submitter. Criteria: CIMBA Mutation Classification guidelines May 2016. Collection method: clinical testing. Allele origin: germline. Not counted in ClinVar's aggregate classification.

NM_007294.4(BRCA1):c.3669del (p.Cys1225fs)

Genes: BRCA1 (BRCA1 DNA repair associated; minus strand), LOC126862571 (BRD4-independent group 4 enhancer GRCh37_chr17:41243136-41244335; plus strand). Cytogenetic location: 17q21.31.
Variant type: Deletion.
Coding change: c.3669del on transcript NM_007294.4 (MANE Select); coding-DNA position 3669, one base deleted (T; older notation c.3669delT).
Protein change: p.Cys1225fs; shifts the reading frame from cysteine 1225.
Molecular consequence: frameshift variant. On other transcripts: intron variant (135).
Genome position (GRCh38, 1-based): chr17:43,091,862, A deleted on the plus strand (T on the coding strand, the reverse complement: BRCA1 is on the minus strand); the first of 2 consecutive A bases (chr17:43,091,862-43,091,863); deleting either gives the same sequence. VCF-style (leftmost placement, unchanged base first): chr17-43091861-GA-G. GRCh37 (hg19) VCF-style: chr17-41243878-GA-G.
Other names: 3788delT; c.3456del, p.Cys1154fs (NM_001407571.1, NM_001407853.1, NM_001407894.1 and 9 more transcripts); c.3669del, p.Cys1225fs (NM_001407581.1, NM_001407582.1, NM_001407583.1 and 30 more transcripts); c.3666del, p.Cys1224fs (NM_001407587.1, NM_001407590.1, NM_001407591.1 and 22 more transcripts); c.3660del, p.Cys1222fs (NM_001407646.1, NM_001407647.1); c.3546del, p.Cys1184fs (NM_001407648.1, NM_001407664.1, NM_001407665.1 and 19 more transcripts); c.3543del, p.Cys1183fs (NM_001407649.1, NM_001407670.1, NM_001407671.1 and 11 more transcripts); c.3591del, p.Cys1199fs (NM_001407653.1, NM_001407654.1, NM_001407655.1 and 4 more transcripts); and 43 more; short protein forms C1225fs, C1178fs, C1097fs, C1114fs, C1157fs, C1057fs, C1113fs, C1137fs.
Identifiers: ClinVar variation 266398 (VCV000266398.6), dbSNP rs886040158, ClinGen allele CA10589730.